The following is an entry in ClinVar:

ClinVar aggregate classification (germline): Likely benign (1 of 4 stars; one submission).

Conditions:
Congenital defect of folate absorption. Also called: Hereditary Folate Malabsorption. Identifiers: Orphanet 90045, MedGen C0342705, MONDO:0009238, OMIM 229050.

Allele frequency attached by ClinVar (database versions not stated): gnomAD 0.00792 and 0.00854; 1000 Genomes Project 0.00859; TOPMed 0.00902; 1000 Genomes Project 30x 0.00968.

Submission:

Illumina Laboratory Services, Illumina
Classification: Likely benign for Congenital defect of folate absorption. Last evaluated: 2017-04-27. Review status: criteria provided, single submitter. Criteria: ICSL Variant Classification Criteria 13 December 2019. Collection method: clinical testing. Allele origin: germline.
Comment: This variant was observed as part of a predisposition screen in an ostensibly healthy population. A literature search was performed for the gene, cDNA change, and amino acid change (where applicable). No publications were found based on this search. Allele frequency data from public databases allowed determination this variant is unlikely to cause disease. Therefore, this variant is classified as likely benign.

NM_080669.6(SLC46A1):c.*2123G>C

Genes: SARM1 (sterile alpha and TIR motif containing 1; plus strand), SLC46A1 (solute carrier family 46 member 1; minus strand). Cytogenetic location: 17q11.2.
Variant type: single nucleotide variant.
Coding change: c.*2123G>C on transcript NM_080669.6 (MANE Select); 2123 bases downstream of the stop codon, G replaced by C.
Molecular consequence: 3 prime UTR variant.
Genome position (GRCh38, 1-based): chr17:28,397,533, C>G on the plus strand (G>C on the coding strand, the complement: SLC46A1 is on the minus strand). VCF-style: chr17-28397533-C-G. GRCh37 (hg19) VCF-style: chr17-26724552-C-G.
Other names: c.*2123G>C (NM_001242366.3); c.*1247C>G (NM_015077.4).
Identifiers: ClinVar variation 322376 (VCV000322376.5), dbSNP rs7225850, ClinGen allele CA10649775.
Genomic context (GRCh38, chr17:28,397,533, plus strand): 5'-TTATCATCCCCATTTTACAGATAATGACACTGAGGCTCAGAAAGGTTGAGGATAAGCCCA[C>G]TTTCCTGTCATTAGTGGCAGCCCCAGATCCAGACCTAGGCCTCCTGGCACCCAGTCCACT-3'